The following is an entry in ClinVar:

NM_004260.4(RECQL4):c.1704+9C>T

Gene: RECQL4 (RecQ like helicase 4; minus strand). Cytogenetic location: 8q24.3.
Variant type: single nucleotide variant.
Coding change: c.1704+9C>T on transcript NM_004260.4 (MANE Select); 9 bases into the intron after coding-DNA position 1704, C replaced by T.
Molecular consequence: intron variant.
Genome position (GRCh38, 1-based): chr8:144,514,433, G>A on the plus strand (C>T on the coding strand, the complement: RECQL4 is on the minus strand). VCF-style: chr8-144514433-G-A. GRCh37 (hg19) VCF-style: chr8-145739817-G-A.
Identifiers: ClinVar variation 193669 (VCV000193669.27), dbSNP rs35876881, ClinGen allele CA200720.

ClinVar aggregate classification (germline): Benign/Likely benign. Review status: criteria provided, multiple submitters, no conflicts (2 of 4 stars). 12 submissions from 11 submitters: Benign (3); Likely benign (5). 4 of the submissions do not count toward it. Last evaluated 2026-01-27.

Conditions:
RECQL4-related disorder. Also called: RECQL4-related condition; RECQL4-related disorders.
Rothmund-Thomson syndrome type 2 (RTS2). Identifiers: Orphanet 221016, MedGen C5203410, MONDO:0016369, OMIM 268400.
Hereditary cancer-predisposing syndrome. Also called: Tumor predisposition; Neoplastic Syndromes, Hereditary; Hereditary Cancer Syndrome; Hereditary neoplastic syndrome. Identifiers: Orphanet 140162, MedGen C0027672, MeSH D009386, MONDO:0015356.
Baller-Gerold syndrome (BGS). Also called: CRANIOSYNOSTOSIS WITH RADIAL DEFECTS. Identifiers: Orphanet 1225, MedGen C0265308, MONDO:0009039, OMIM 218600.
Rapadilino syndrome. Identifiers: Orphanet 3021, MedGen C1849453, MONDO:0009955, OMIM 266280.

Allele frequency attached by ClinVar (database versions not stated): ExAC 0.00205; gnomAD exomes 0.00205 and 0.00243; ESP Exome Variant Server 0.00255; 1000 Genomes Project 0.00260; 1000 Genomes Project 30x 0.00312; gnomAD 0.00338 and 0.00365; TOPMed 0.00407.
gnomAD v4.1: 4,092 of 1,610,918 alleles (0.25%); highest among the groups gnomAD compares: African/African-American, 0.63%; 8 homozygotes.

Submissions (12):

Labcorp Genetics (formerly Invitae), Labcorp
Classification: Benign for Baller-Gerold syndrome. Last evaluated: 2026-01-27. Review status: criteria provided, single submitter. Criteria: Invitae Variant Classification Sherloc (09022015). Collection method: clinical testing. Allele origin: germline.

KCCC/NGS Laboratory, Kuwait Cancer Control Center
Classification: Benign for Rapadilino syndrome. Last evaluated: 2025-02-01. Review status: criteria provided, single submitter. Criteria: ACMG Guidelines, 2015. Collection method: clinical testing. Allele origin: germline. Affected: no.

Blueprint Genetics
Classification: Likely benign. Last evaluated: 2024-11-27. Review status: criteria provided, single submitter. Criteria: ACMG Guidelines, 2015. Collection method: clinical testing. Allele origin: germline.

KCCC/NGS Laboratory, Kuwait Cancer Control Center
Classification: Benign for Rothmund-Thomson syndrome type 2. Last evaluated: 2023-07-07. Review status: criteria provided, single submitter. Criteria: ACMG Guidelines, 2015. Collection method: clinical testing. Allele origin: germline. Affected: yes.

Genetic Services Laboratory, University of Chicago
Classification: Likely benign. Last evaluated: 2021-09-13. Review status: criteria provided, single submitter. Criteria: ACMG Guidelines, 2015. Collection method: clinical testing. Allele origin: germline. Affected: no.

Sema4
Classification: Likely benign for Hereditary cancer-predisposing syndrome. Last evaluated: 2021-05-02. Review status: criteria provided, single submitter. Criteria: Sema4 Curation Guidelines. Collection method: curation. Allele origin: germline.

Mendelics
Classification: Likely benign for Baller-Gerold syndrome. Last evaluated: 2019-05-28. Review status: criteria provided, single submitter. Criteria: Mendelics Assertion Criteria 2017. Collection method: clinical testing. Allele origin: unknown.

Eurofins Ntd Llc (ga)
Classification: Likely benign. Last evaluated: 2015-06-09. Review status: criteria provided, single submitter. Criteria: EGL Classification Definitions 2015. Collection method: clinical testing. Allele origin: germline. Observed: 1 variant allele, 1 heterozygote.

PreventionGenetics, part of Exact Sciences
Classification: Likely benign for RECQL4-related condition. Last evaluated: 2019-10-28. Review status: no assertion criteria provided. Collection method: clinical testing. Allele origin: germline. Not counted in ClinVar's aggregate classification.
Comment: This variant is classified as likely benign based on ACMG/AMP sequence variant interpretation guidelines (Richards et al. 2015 PMID: 25741868, with internal and published modifications).

Clinical Genetics DNA and cytogenetics Diagnostics Lab, Erasmus MC, Erasmus Medical Center
Classification: Likely benign. Review status: no assertion criteria provided. Collection method: clinical testing. Allele origin: germline. Affected: yes. Study: VKGL Data-share Consensus. Not counted in ClinVar's aggregate classification.

Genome Diagnostics Laboratory, Amsterdam University Medical Center
Classification: Likely benign. Review status: no assertion criteria provided. Collection method: clinical testing. Allele origin: germline. Affected: yes. Study: VKGL Data-share Consensus. Not counted in ClinVar's aggregate classification.

Genome Diagnostics Laboratory, University Medical Center Utrecht
Classification: Likely benign. Review status: no assertion criteria provided. Collection method: clinical testing. Allele origin: germline. Affected: yes. Study: VKGL Data-share Consensus. Not counted in ClinVar's aggregate classification.

Literature cited by the submitters: PubMed 27247962 (cited by Sema4).